The following is an entry in ClinVar:

NM_000400.4(ERCC2):c.2050T>A (p.Phe684Ile)

Gene: ERCC2 (ERCC excision repair 2, TFIIH core complex helicase subunit; minus strand). Cytogenetic location: 19q13.32.
Variant type: single nucleotide variant.
Coding change: c.2050T>A on transcript NM_000400.4 (MANE Select); coding-DNA position 2050, T replaced by A.
Protein change: p.Phe684Ile; replaces phenylalanine 684 with isoleucine.
Molecular consequence: missense variant.
Genome position (GRCh38, 1-based): chr19:45,352,349, A>T on the plus strand (T>A on the coding strand, the complement: ERCC2 is on the minus strand). VCF-style: chr19-45352349-A-T. GRCh37 (hg19) VCF-style: chr19-45855607-A-T.
Other names: short protein forms F684I.
Identifiers: ClinVar variation 3509804 (VCV003509804.1).

ClinVar aggregate classification (germline): Uncertain significance (1 of 4 stars; one submission).

Conditions:
Inborn genetic diseases. Identifiers: MedGen C0950123, MeSH D030342.

Submission:

Ambry Genetics
Classification: Uncertain significance for Inborn genetic diseases. Last evaluated: 2024-07-14. Review status: criteria provided, single submitter. Criteria: Ambry Variant Classification Scheme 2023. Collection method: clinical testing. Allele origin: germline.
Comment: The p.F684I variant (also known as c.2050T>A), located in coding exon 22 of the ERCC2 gene, results from a T to A substitution at nucleotide position 2050. The phenylalanine at codon 684 is replaced by isoleucine, an amino acid with highly similar properties. This amino acid position is conserved. In addition, the in silico prediction for this alteration is inconclusive. Based on the available evidence, the clinical significance of this variant remains unclear.